The following is an entry in ClinVar:

NM_002055.5(GFAP):c.951C>T (p.His317=)

Gene: GFAP (glial fibrillary acidic protein; minus strand). Cytogenetic location: 17q21.31.
Variant type: single nucleotide variant.
Coding change: c.951C>T on transcript NM_002055.5 (MANE Select); coding-DNA position 951, C replaced by T.
Protein change: p.His317=; no amino-acid change (histidine 317 retained).
Molecular consequence: synonymous variant.
Genome position (GRCh38, 1-based): chr17:44,911,412, G>A on the plus strand (C>T on the coding strand, the complement: GFAP is on the minus strand). VCF-style: chr17-44911412-G-A. GRCh37 (hg19) VCF-style: chr17-42988780-G-A.
Other names: c.951C>T, p.His317= (NM_001131019.3, NM_001242376.3, NM_001363846.2).
Identifiers: ClinVar variation 3896498 (VCV003896498.2).
Genomic context (GRCh38, chr17:44,911,412, plus strand): 5'-GCTCTGCCCCTCTTCCTCCAGCCGCGCCAGCGCCTCCTGATAACTGGCCGCCTCCCGCAC[G>A]TGCCGCTCCTCCTGCTCGCGCATCTGCCTCTCCAGGGACTCGTTCTGTGGGATGGAGCCG-3'
Protein context (NP_002046.1, residues 307-327): ERQMREQEER[His317=]VREAASYQEA

ClinVar aggregate classification (germline): Likely benign (1 of 4 stars; one submission).

gnomAD v4.1: 4 of 1,612,726 alleles (0.00025%); highest among the groups gnomAD compares: Non-Finnish European, 0.00017%; no homozygotes.

Submission:

Women's Health and Genetics/Laboratory Corporation of America, LabCorp
Classification: Likely benign. Last evaluated: 2025-04-03. Review status: criteria provided, single submitter. Criteria: LabCorp Variant Classification Summary - May 2015. Collection method: clinical testing. Allele origin: germline.
Comment: Variant summary: GFAP c.951C>T alters a non-conserved nucleotide resulting in a synonymous change. Consensus agreement among computation tools predict no significant impact on normal splicing. However, these predictions have yet to be confirmed by functional studies. The variant allele was found at a frequency of 4e-06 in 250444 control chromosomes. The available data on variant occurrences in the general population are insufficient to allow any conclusion about variant significance. To our knowledge, no occurrence of c.951C>T in individuals affected with Alexander Disease and no experimental evidence demonstrating its impact on protein function have been reported. No submitters have cited clinical-significance assessments for this variant to ClinVar. Based on the evidence outlined above, the variant was classified as likely benign.